The following is an entry in ClinVar:

NM_004568.6(SERPINB6):c.375C>T (p.Ser125=)

Gene: SERPINB6 (serpin family B member 6; minus strand). Cytogenetic location: 6p25.2.
Variant type: single nucleotide variant.
Coding change: c.375C>T on transcript NM_004568.6 (MANE Select); coding-DNA position 375, C replaced by T.
Protein change: p.Ser125=; no amino-acid change (serine 125 retained).
Molecular consequence: synonymous variant. On other transcripts: non-coding transcript variant (1).
Genome position (GRCh38, 1-based): chr6:2,954,647, G>A on the plus strand (C>T on the coding strand, the complement: SERPINB6 is on the minus strand). VCF-style: chr6-2954647-G-A. GRCh37 (hg19) VCF-style: chr6-2954881-G-A.
Other names: c.387C>T, p.Ser129= (NM_001195291.3, NM_001374515.1); c.417C>T, p.Ser139= (NM_001271822.2); c.432C>T, p.Ser144= (NM_001271823.2); c.375C>T, p.Ser125= (NM_001271824.2, NM_001271825.2, NM_001297699.2 and 2 more transcripts); c.243C>T, p.Ser81= (NM_001374517.1).
Identifiers: ClinVar variation 1979167 (VCV001979167.28), dbSNP rs777702384, ClinGen allele CA3617570.

ClinVar aggregate classification (germline): Likely benign. Review status: criteria provided, multiple submitters, no conflicts (2 of 4 stars). 2 submissions from 2 submitters: Likely benign (2). Last evaluated 2023-02-01.

Allele frequency attached by ClinVar (database versions not stated): TOPMed 0.00003; gnomAD 0.00004; ExAC 0.00007.
gnomAD v4.1: 82 of 1,613,786 alleles (0.0051%); highest among the groups gnomAD compares: Middle Eastern, 0.016%; no homozygotes.

Submissions (2):

CeGaT Center for Human Genetics Tuebingen
Classification: Likely benign. Last evaluated: 2023-02-01. Review status: criteria provided, single submitter. Criteria: CeGaT Center For Human Genetics Tuebingen Variant Classification Criteria Version 2. Collection method: clinical testing. Allele origin: germline. Affected: yes. Observed: 1 variant allele.
Comment: SERPINB6: BP4, BP7

Labcorp Genetics (formerly Invitae), Labcorp
Classification: Likely benign. Last evaluated: 2022-08-15. Review status: criteria provided, single submitter. Criteria: Invitae Variant Classification Sherloc (09022015). Collection method: clinical testing. Allele origin: germline.